The following is an entry in ClinVar:

ClinVar aggregate classification (germline): Uncertain significance. Review status: criteria provided, multiple submitters, no conflicts (2 of 4 stars). 3 submissions from 3 submitters: Uncertain significance (3). Last evaluated 2025-09-27.

Conditions:
Gorlin syndrome. Also called: Nevoid Basal Cell Carcinoma Syndrome; Basal cell nevus syndrome. Identifiers: Orphanet 377, MedGen C0004779, MONDO:0007187.
Hereditary cancer-predisposing syndrome. Also called: Hereditary neoplastic syndrome; Tumor predisposition; Hereditary Cancer Syndrome; Neoplastic Syndromes, Hereditary. Identifiers: Orphanet 140162, MedGen C0027672, MeSH D009386, MONDO:0015356.

Submissions (3):

Quest Diagnostics Nichols Institute San Juan Capistrano
Classification: Uncertain significance. Last evaluated: 2025-09-27. Review status: criteria provided, single submitter. Criteria: Quest Diagnostics criteria. Collection method: clinical testing. Allele origin: unknown.
Comment: The PTCH1 c.4253T>C (p.Val1418Ala) variant has not been reported in individuals with PTCH1-related conditions in the published literature. This variant has not been reported in large, multi-ethnic general populations (Genome Aggregation Database). Analysis of this variant using a bioinformatics tool for the prediction of the effect of amino acid changes on protein structure and function yielded a prediction that this variant is benign. Based on the available information, we are unable to determine the clinical significance of this variant.

Labcorp Genetics (formerly Invitae), Labcorp
Classification: Uncertain significance for Gorlin syndrome. Last evaluated: 2024-03-23. Review status: criteria provided, single submitter. Criteria: Invitae Variant Classification Sherloc (09022015). Collection method: clinical testing. Allele origin: germline.
Comment: This sequence change replaces valine, which is neutral and non-polar, with alanine, which is neutral and non-polar, at codon 1418 of the PTCH1 protein (p.Val1418Ala). This variant is not present in population databases (gnomAD no frequency). This variant has not been reported in the literature in individuals affected with PTCH1-related conditions. ClinVar contains an entry for this variant (Variation ID: 1428245). Advanced modeling of protein sequence and biophysical properties (such as structural, functional, and spatial information, amino acid conservation, physicochemical variation, residue mobility, and thermodynamic stability) performed at Invitae indicates that this missense variant is not expected to disrupt PTCH1 protein function with a negative predictive value of 95%. In summary, the available evidence is currently insufficient to determine the role of this variant in disease. Therefore, it has been classified as a Variant of Uncertain Significance.

Ambry Genetics
Classification: Uncertain significance for Hereditary cancer-predisposing syndrome. Last evaluated: 2024-01-19. Review status: criteria provided, single submitter. Criteria: Ambry Variant Classification Scheme 2023. Collection method: clinical testing. Allele origin: germline.
Comment: The p.V1418A variant (also known as c.4253T>C), located in coding exon 23 of the PTCH1 gene, results from a T to C substitution at nucleotide position 4253. The valine at codon 1418 is replaced by alanine, an amino acid with similar properties. This amino acid position is conserved. In addition, the in silico prediction for this alteration is inconclusive. Based on the available evidence, the clinical significance of this alteration remains unclear.

NM_000264.5(PTCH1):c.4253T>C (p.Val1418Ala)

Gene: PTCH1 (patched 1; minus strand). Cytogenetic location: 9q22.32.
Variant type: single nucleotide variant.
Coding change: c.4253T>C on transcript NM_000264.5 (MANE Select); coding-DNA position 4253, T replaced by C.
Protein change: p.Val1418Ala; replaces valine 1418 with alanine.
Molecular consequence: missense variant. On other transcripts: non-coding transcript variant (1).
Genome position (GRCh38, 1-based): chr9:95,447,003, A>G on the plus strand (T>C on the coding strand, the complement: PTCH1 is on the minus strand). VCF-style: chr9-95447003-A-G. GRCh37 (hg19) VCF-style: chr9-98209285-A-G.
Other names: c.4055T>C, p.Val1352Ala (NM_001083602.3); c.4250T>C, p.Val1417Ala (NM_001083603.3); c.3800T>C, p.Val1267Ala (NM_001083604.3, NM_001083605.3, NM_001083606.3 and 1 more transcripts); c.4097T>C, p.Val1366Ala (NM_001354918.2); c.4253T>C (NM_000264.3, NM_000264.4); short protein forms V1418A, V1352A, V1267A, V1417A, V1366A.
Identifiers: ClinVar variation 1428245 (VCV001428245.10), dbSNP rs2136572074, ClinGen allele CA374110021.